The following is an entry in ClinVar:

NM_144666.3(DNHD1):c.949G>A (p.Asp317Asn)

Gene: DNHD1 (dynein heavy chain domain 1; plus strand). Cytogenetic location: 11p15.4.
Variant type: single nucleotide variant.
Coding change: c.949G>A on transcript NM_144666.3 (MANE Select); coding-DNA position 949, G replaced by A.
Protein change: p.Asp317Asn; replaces aspartic acid 317 with asparagine.
Molecular consequence: missense variant.
Genome position (GRCh38, 1-based): chr11:6,508,908, G>A. VCF-style: chr11-6508908-G-A. GRCh37 (hg19) VCF-style: chr11-6530138-G-A.
Other names: c.949G>A, p.Asp317Asn (NM_173589.4); short protein forms D317N.
Identifiers: ClinVar variation 3055372 (VCV003055372.2), dbSNP rs2555152, ClinGen allele CA5855464.
Genomic context (GRCh38, chr11:6,508,908, plus strand): 5'-GGCCTTCACTGATCAGAGCTCTTTTTTTAAAGGCCTTACAGCCTGATGGTGGTGCCACCC[G>A]ACAAGGTGAATCCCGAGCACTACATCTTCTCTCCCTTTGGGATCTTGCATGTACATCCTG-3'
Protein context (NP_653267.2, residues 307-327): RPYSLMVVPP[Asp317Asn]KVNPEHYIFS

ClinVar aggregate classification (germline): Benign (0 of 4 stars; one submission).

Conditions:
DNHD1-related disorder. Also called: DNHD1-related condition.

Allele frequency attached by ClinVar (database versions not stated): ExAC 0.01132; gnomAD 0.03610; 1000 Genomes Project 0.03974; ESP Exome Variant Server 0.04094; TOPMed 0.04155; 1000 Genomes Project 30x 0.04294.
gnomAD v4.1: 10,796 of 1,614,016 alleles (0.67%); highest among the groups gnomAD compares: African/African-American, 12%; 623 homozygotes.

Submission:

PreventionGenetics, part of Exact Sciences
Classification: Benign for DNHD1-related condition. Last evaluated: 2019-03-19. Review status: no assertion criteria provided. Collection method: clinical testing. Allele origin: germline.
Comment: This variant is classified as benign based on ACMG/AMP sequence variant interpretation guidelines (Richards et al. 2015 PMID: 25741868, with internal and published modifications).